The following is an entry in ClinVar:

ClinVar aggregate classification (germline): Uncertain significance (1 of 4 stars; one submission).

gnomAD v4.1: 30 of 1,614,134 alleles (0.0019%); highest among the groups gnomAD compares: Admixed American, 0.017%; no homozygotes.

Submission:

Labcorp Genetics (formerly Invitae), Labcorp
Classification: Uncertain significance. Last evaluated: 2026-01-18. Review status: criteria provided, single submitter. Criteria: Invitae Variant Classification Sherloc (09022015). Collection method: clinical testing. Allele origin: germline.
Comment: This sequence change replaces proline, which is neutral and non-polar, with leucine, which is neutral and non-polar, at codon 21 of the KLF1 protein (p.Pro21Leu). This variant is present in population databases (rs559879342, gnomAD 0.03%). This variant has not been reported in the literature in individuals affected with KLF1-related conditions. ClinVar contains an entry for this variant (Variation ID: 3671726). Invitae Evidence Modeling of protein sequence and biophysical properties (such as structural, functional, and spatial information, amino acid conservation, physicochemical variation, residue mobility, and thermodynamic stability) indicates that this missense variant is expected to disrupt KLF1 protein function with a positive predictive value of 80%. In summary, the available evidence is currently insufficient to determine the role of this variant in disease. Therefore, it has been classified as a Variant of Uncertain Significance.

NM_006563.5(KLF1):c.62C>T (p.Pro21Leu)

Genes: KLF1 (KLF transcription factor 1; minus strand), LOC117125592 (CRISPRi-FlowFISH-validated CALR, DHPS, JUNB, PRDX2, RAD23A, RNASEH2A and WDR83OS regulatory element; plus strand). Cytogenetic location: 19p13.13.
Variant type: single nucleotide variant.
Coding change: c.62C>T on transcript NM_006563.5 (MANE Select); coding-DNA position 62, C replaced by T.
Protein change: p.Pro21Leu; replaces proline 21 with leucine.
Molecular consequence: missense variant.
Genome position (GRCh38, 1-based): chr19:12,887,079, G>A on the plus strand (C>T on the coding strand, the complement: KLF1 is on the minus strand). VCF-style: chr19-12887079-G-A. GRCh37 (hg19) VCF-style: chr19-12997893-G-A.
Other names: short protein forms P21L.
Identifiers: ClinVar variation 3671726 (VCV003671726.2).